The following is an entry in ClinVar:

NM_000038.6(APC):c.4312A>G (p.Thr1438Ala)

Gene: APC (APC regulator of Wnt signaling pathway; plus strand). Cytogenetic location: 5q22.2.
Variant type: single nucleotide variant.
Coding change: c.4312A>G on transcript NM_000038.6 (MANE Select); coding-DNA position 4312, A replaced by G.
Protein change: p.Thr1438Ala; replaces threonine 1438 with alanine.
Molecular consequence: missense variant. On other transcripts: non-coding transcript variant (2).
Genome position (GRCh38, 1-based): chr5:112,839,906, A>G. VCF-style: chr5-112839906-A-G. GRCh37 (hg19) VCF-style: chr5-112175603-A-G.
Other names: c.4312A>G, p.Thr1438Ala (NM_001127510.3, NM_001354895.2, NM_001407450.1); c.4258A>G, p.Thr1420Ala (NM_001127511.3); c.4366A>G, p.Thr1456Ala (NM_001354896.2, NM_001407447.1, NM_001407448.1 and 1 more transcripts); c.4342A>G, p.Thr1448Ala (NM_001354897.2); c.4237A>G, p.Thr1413Ala (NM_001354898.2); c.4228A>G, p.Thr1410Ala (NM_001354899.2); c.4189A>G, p.Thr1397Ala (NM_001354900.2); c.4135A>G, p.Thr1379Ala (NM_001354901.2, NM_001407453.1); and 11 more; short protein forms T1413A, T1466A, T1054A, T1312A, T1355A, T1379A, T1431A, T1448A.
Identifiers: ClinVar variation 4576374 (VCV004576374.1).

ClinVar aggregate classification (germline): Uncertain significance (1 of 4 stars; one submission).

Conditions:
Hereditary cancer-predisposing syndrome. Also called: Neoplastic Syndromes, Hereditary; Tumor predisposition; Hereditary Cancer Syndrome; Hereditary neoplastic syndrome. Identifiers: Orphanet 140162, MedGen C0027672, MeSH D009386, MONDO:0015356.

Submission:

Ambry Genetics
Classification: Uncertain significance for Hereditary cancer-predisposing syndrome. Last evaluated: 2025-09-18. Review status: criteria provided, single submitter. Criteria: Ambry Variant Classification Scheme 2023. Collection method: clinical testing. Allele origin: germline.
Comment: The p.T1438A variant (also known as c.4312A>G), located in coding exon 15 of the APC gene, results from an A to G substitution at nucleotide position 4312. The threonine at codon 1438 is replaced by alanine, an amino acid with similar properties. This amino acid position is conserved. In addition, in silico predictors for this gene do not accurately predict pathogenicity. Based on the available evidence, the clinical significance of this variant remains unclear.